The following is an entry in ClinVar:

ClinVar aggregate classification (germline): Benign (1 of 4 stars; one submission).

Allele frequency attached by ClinVar (database versions not stated): 1000 Genomes Project 0.28774; 1000 Genomes Project 30x 0.29669; TOPMed 0.40637; gnomAD exomes 0.40735; gnomAD 0.41775.

Submission:

Unidad de Genómica Garrahan, Hospital de Pediatría Garrahan
Classification: Benign. Last evaluated: 2023-11-12. Review status: criteria provided, single submitter. Criteria: ACMG Guidelines, 2015. Collection method: clinical testing. Allele origin: germline. Affected: no. Observed: 33 variant alleles.
Comment: This variant is classified as Benign based on local population frequency. This variant was detected in 34% of patients studied by a panel of primary immunodeficiencies. Number of patients: 33. Only high quality variants are reported.

NM_000572.3(IL10):c.*117T>C

Gene: IL10 (interleukin 10; minus strand). Cytogenetic location: 1q32.1.
Variant type: single nucleotide variant.
Coding change: c.*117T>C on transcript NM_000572.3 (MANE Select); 117 bases downstream of the stop codon, T replaced by C.
Molecular consequence: 3 prime UTR variant. On other transcripts: non-coding transcript variant (2).
Genome position (GRCh38, 1-based): chr1:206,768,519, A>G on the plus strand (T>C on the coding strand, the complement: IL10 is on the minus strand). VCF-style: chr1-206768519-A-G. GRCh37 (hg19) VCF-style: chr1-206941864-A-G.
Other names: c.*117T>C (NM_001382624.1).
Identifiers: ClinVar variation 2628225 (VCV002628225.2), dbSNP rs3024496, ClinGen allele CA10699283.